The following is an entry in ClinVar:

ClinVar aggregate classification (germline): Likely benign. Review status: criteria provided, multiple submitters, no conflicts (2 of 4 stars). 3 submissions from 3 submitters: Likely benign (2). 1 of the submissions does not count toward it. Last evaluated 2025-12-06.

Conditions:
CABP4-related disorder. Also called: CABP4-related condition.

Allele frequency attached by ClinVar (database versions not stated): ExAC 0.00006; gnomAD exomes 0.00009 and 0.00013; TOPMed 0.00010; gnomAD 0.00013 and 0.00014; ESP Exome Variant Server 0.00015.

Submissions (3):

Labcorp Genetics (formerly Invitae), Labcorp
Classification: Likely benign. Last evaluated: 2025-12-06. Review status: criteria provided, single submitter. Criteria: Invitae Variant Classification Sherloc (09022015). Collection method: clinical testing. Allele origin: germline.

Blueprint Genetics
Classification: Likely benign. Last evaluated: 2024-11-27. Review status: criteria provided, single submitter. Criteria: ACMG Guidelines, 2015. Collection method: clinical testing. Allele origin: germline.

PreventionGenetics, part of Exact Sciences
Classification: Likely benign for CABP4-related condition. Last evaluated: 2019-07-26. Review status: no assertion criteria provided. Collection method: clinical testing. Allele origin: germline. Not counted in ClinVar's aggregate classification.
Comment: This variant is classified as likely benign based on ACMG/AMP sequence variant interpretation guidelines (Richards et al. 2015 PMID: 25741868, with internal and published modifications).

NM_145200.5(CABP4):c.108G>A (p.Pro36=)

Gene: CABP4 (calcium binding protein 4; plus strand). Cytogenetic location: 11q13.2.
Variant type: single nucleotide variant.
Coding change: c.108G>A on transcript NM_145200.5 (MANE Select); coding-DNA position 108, G replaced by A.
Protein change: p.Pro36=; no amino-acid change (proline 36 retained).
Molecular consequence: synonymous variant. On other transcripts: 5 prime UTR variant (2), non-coding transcript variant (1), intron variant (1).
Genome position (GRCh38, 1-based): chr11:67,455,531, G>A. VCF-style: chr11-67455531-G-A. GRCh37 (hg19) VCF-style: chr11-67223002-G-A.
Other names: c.-276G>A (NM_001300895.3); c.-290G>A (NM_001379183.1); c.-112-178G>A (NM_001300896.3); c.108G>A (NM_145200.3).
Identifiers: ClinVar variation 1108202 (VCV001108202.12), dbSNP rs375066051, ClinGen allele CA6140069.